The following is an entry in ClinVar:

ClinVar aggregate classification (germline): Pathogenic (1 of 4 stars; one submission).

Conditions:
Neurofibromatosis, type 1 (NF1). Also called: Peripheral type neurofibromatosis; Neurofibromatosis, type I; VON RECKLINGHAUSEN DISEASE; NEUROFIBROMATOSIS, TYPE I, SOMATIC. Identifiers: Orphanet 636, MedGen C0027831, MONDO:0018975, OMIM 162200. Disease mechanism: loss of function.

Submission:

Labcorp Genetics (formerly Invitae), Labcorp
Classification: Pathogenic for Neurofibromatosis, type 1. Last evaluated: 2021-11-01. Review status: criteria provided, single submitter. Criteria: Invitae Variant Classification Sherloc (09022015). Collection method: clinical testing. Allele origin: germline.
Comment: This sequence change creates a premature translational stop signal (p.Gln1972Metfs*12) in the NF1 gene. It is expected to result in an absent or disrupted protein product. Loss-of-function variants in NF1 are known to be pathogenic (PMID: 10712197, 23913538). This variant is not present in population databases (gnomAD no frequency). This variant has not been reported in the literature in individuals affected with NF1-related conditions. For these reasons, this variant has been classified as Pathogenic.

Literature cited by the submitters: PubMed 10712197; PubMed 23913538.

NM_001042492.3(NF1):c.5977_5987del (p.Gln1993fs)

Gene: NF1 (neurofibromin 1; plus strand). Cytogenetic location: 17q11.2.
Variant type: Deletion.
Coding change: c.5977_5987del on transcript NM_001042492.3 (MANE Select); coding-DNA positions 5977 to 5987, 11 bases deleted (CAAGCAAAAAT).
Protein change: p.Gln1993fs; shifts the reading frame from glutamine 1993.
Molecular consequence: frameshift variant.
Genome position (GRCh38, 1-based): chr17:31,335,002-31,335,012, CAAGCAAAAAT deleted; deleting any 11 consecutive bases within chr17:31,335,001-31,335,012 gives the same sequence; the c. name uses the placement nearest the transcript's 3' end. VCF-style (leftmost placement, unchanged base first): chr17-31335000-TTCAAGCAAAAA-T. GRCh37 (hg19) VCF-style: chr17-29662018-TTCAAGCAAAAA-T.
Other names: c.5914_5924delCAAGCAAAAAT, p.Gln1972Metfs (NM_000267.4); short protein forms Q1972fs, Q1993fs.
Identifiers: ClinVar variation 1415365 (VCV001415365.6), dbSNP rs2151550700, ClinGen allele CA2573153448.